The following is an entry in ClinVar:

ClinVar aggregate classification (germline): Conflicting classifications of pathogenicity. Review status: criteria provided, conflicting classifications (1 of 4 stars). 2 submissions from 2 submitters: Uncertain significance (1); Likely benign (1). Last evaluated 2026-01-22.

Conditions:
Primary ciliary dyskinesia. Also called: Ciliary dyskinesia. Identifiers: Orphanet 244, MedGen C0008780, MONDO:0016575, HP:0012265.

Allele frequency attached by ClinVar (database versions not stated): gnomAD exomes 0.00004; ExAC 0.00007; ESP Exome Variant Server 0.00017; 1000 Genomes Project 0.00020; TOPMed 0.00020; gnomAD 0.00021 and 0.00023; 1000 Genomes Project 30x 0.00031.
gnomAD v4.1: 75 of 1,598,988 alleles (0.0047%); highest among the groups gnomAD compares: African/African-American, 0.084%; no homozygotes.

Submissions (2):

Labcorp Genetics (formerly Invitae), Labcorp
Classification: Likely benign for Primary ciliary dyskinesia. Last evaluated: 2026-01-22. Review status: criteria provided, single submitter. Criteria: Invitae Variant Classification Sherloc (09022015). Collection method: clinical testing. Allele origin: germline.

Ambry Genetics
Classification: Uncertain significance for Primary ciliary dyskinesia. Last evaluated: 2022-03-25. Review status: criteria provided, single submitter. Criteria: Ambry Variant Classification Scheme 2023. Collection method: clinical testing. Allele origin: germline.
Comment: The p.M206I variant (also known as c.618G>C), located in coding exon 3 of the DNAH11 gene, results from a G to C substitution at nucleotide position 618. The methionine at codon 206 is replaced by isoleucine, an amino acid with highly similar properties. This amino acid position is conserved. In addition, this alteration is predicted to be tolerated by in silico analysis. Since supporting evidence is limited at this time, the clinical significance of this alteration remains unclear.

NM_001277115.2(DNAH11):c.618G>C (p.Met206Ile)

Gene: DNAH11 (dynein axonemal heavy chain 11; plus strand). Cytogenetic location: 7p15.3.
Variant type: single nucleotide variant.
Coding change: c.618G>C on transcript NM_001277115.2 (MANE Select); coding-DNA position 618, G replaced by C.
Protein change: p.Met206Ile; replaces methionine 206 with isoleucine.
Molecular consequence: missense variant.
Genome position (GRCh38, 1-based): chr7:21,558,924, G>C. VCF-style: chr7-21558924-G-C. GRCh37 (hg19) VCF-style: chr7-21598542-G-C.
Other names: short protein forms M206I.
Identifiers: ClinVar variation 643250 (VCV000643250.13), dbSNP rs374350787, ClinGen allele CA4178724.